The following is an entry in ClinVar:

NM_003640.5(ELP1):c.254del (p.Val85fs)

Gene: ELP1 (elongator acetyltransferase complex subunit 1; minus strand). Cytogenetic location: 9q31.3.
Variant type: Deletion.
Coding change: c.254del on transcript NM_003640.5 (MANE Select); coding-DNA position 254, one base deleted (T; older notation c.254delT).
Protein change: p.Val85fs; shifts the reading frame from valine 85.
Molecular consequence: frameshift variant. On other transcripts: 5 prime UTR variant (2).
Genome position (GRCh38, 1-based): chr9:108,929,818, A deleted on the plus strand (T on the coding strand, the reverse complement: ELP1 is on the minus strand). VCF-style (leftmost placement, unchanged base first): chr9-108929817-CA-C. GRCh37 (hg19) VCF-style: chr9-111692097-CA-C.
Other names: c.-89del (NM_001318360.2); c.-606del (NM_001330749.2); short protein forms V85fs.
Identifiers: ClinVar variation 2750848 (VCV002750848.3), dbSNP rs2537963840, ClinGen allele CA2697557976.
Genomic context (GRCh38, chr9:108,929,817, plus strand): 5'-TCTTCCACTTACCTGTTGTGTGCTGAGACTGCAGAGTATGACGTCTCCAGAGGCTGTGGC[CA>C]CACACACAGACTCCTGATCCAGCAAGTCCTGAACACCAACAATGCGGCCACTTCCATCCT-3'

ClinVar aggregate classification (germline): Pathogenic (1 of 4 stars; one submission).

Submission:

Labcorp Genetics (formerly Invitae), Labcorp
Classification: Pathogenic. Last evaluated: 2024-07-01. Review status: criteria provided, single submitter. Criteria: Invitae Variant Classification Sherloc (09022015). Collection method: clinical testing. Allele origin: germline.
Comment: This sequence change creates a premature translational stop signal (p.Val85Glyfs*24) in the ELP1 gene. It is expected to result in an absent or disrupted protein product. Loss-of-function variants in ELP1 are known to be pathogenic (PMID: 18303054, 24173031). This variant is not present in population databases (gnomAD no frequency). This variant has not been reported in the literature in individuals affected with ELP1-related conditions. For these reasons, this variant has been classified as Pathogenic.

Literature cited by the submitters: PubMed 18303054; PubMed 24173031.